The following is an entry in ClinVar:

NM_014704.4(CEP104):c.817A>C (p.Lys273Gln)

Gene: CEP104 (centrosomal protein 104; minus strand). Cytogenetic location: 1p36.32.
Variant type: single nucleotide variant.
Coding change: c.817A>C on transcript NM_014704.4 (MANE Select); coding-DNA position 817, A replaced by C.
Protein change: p.Lys273Gln; replaces lysine 273 with glutamine.
Molecular consequence: missense variant.
Genome position (GRCh38, 1-based): chr1:3,839,038, T>G on the plus strand (A>C on the coding strand, the complement: CEP104 is on the minus strand). VCF-style: chr1-3839038-T-G. GRCh37 (hg19) VCF-style: chr1-3755602-T-G.
Other names: c.817A>C (NM_014704.3); short protein forms K273Q.
Identifiers: ClinVar variation 2065194 (VCV002065194.5), dbSNP rs551916206, ClinGen allele CA551806.

ClinVar aggregate classification (germline): Uncertain significance. Review status: criteria provided, multiple submitters, no conflicts (2 of 4 stars). 2 submissions from 2 submitters: Uncertain significance (2). Last evaluated 2025-06-12.

Conditions:
Inborn genetic diseases. Identifiers: MedGen C0950123, MeSH D030342.
Joubert syndrome 25 (JBTS25). Identifiers: Orphanet 475, MedGen C4084842, MONDO:0014770, OMIM 616781.

Allele frequency attached by ClinVar (database versions not stated): 1000 Genomes Project 30x 0.00016; ExAC 0.00002; TOPMed 0.00001; gnomAD exomes 0.00002; gnomAD 0.00003; 1000 Genomes Project 0.00020.
gnomAD v4.1: 41 of 1,614,102 alleles (0.0025%); highest among the groups gnomAD compares: Middle Eastern, 0.049%; no homozygotes.

Submissions (2):

Labcorp Genetics (formerly Invitae), Labcorp
Classification: Uncertain significance for Joubert syndrome 25. Last evaluated: 2025-06-12. Review status: criteria provided, single submitter. Criteria: Invitae Variant Classification Sherloc (09022015). Collection method: clinical testing. Allele origin: germline.
Comment: This sequence change replaces lysine, which is basic and polar, with glutamine, which is neutral and polar, at codon 273 of the CEP104 protein (p.Lys273Gln). This variant is present in population databases (rs551916206, gnomAD 0.003%). This variant has not been reported in the literature in individuals affected with CEP104-related conditions. ClinVar contains an entry for this variant (Variation ID: 2065194). An algorithm developed to predict the effect of missense changes on protein structure and function outputs the following: PolyPhen-2: "Benign". The glutamine amino acid residue is found in multiple mammalian species, which suggests that this missense change does not adversely affect protein function. In summary, the available evidence is currently insufficient to determine the role of this variant in disease. Therefore, it has been classified as a Variant of Uncertain Significance.

Ambry Genetics
Classification: Uncertain significance for Inborn genetic diseases. Last evaluated: 2023-09-26. Review status: criteria provided, single submitter. Criteria: Ambry Variant Classification Scheme 2023. Collection method: clinical testing. Allele origin: germline.